The following is an entry in ClinVar:

NM_000059.4(BRCA2):c.843C>A (p.Asp281Glu)

Gene: BRCA2 (BRCA2 DNA repair associated; plus strand). Cytogenetic location: 13q13.1.
Variant type: single nucleotide variant.
Coding change: c.843C>A on transcript NM_000059.4 (MANE Select); coding-DNA position 843, C replaced by A.
Protein change: p.Asp281Glu; replaces aspartic acid 281 with glutamic acid.
Molecular consequence: missense variant.
Genome position (GRCh38, 1-based): chr13:32,332,321, C>A. VCF-style: chr13-32332321-C-A. GRCh37 (hg19) VCF-style: chr13-32906458-C-A.
Other names: short protein forms D281E.
Identifiers: ClinVar variation 1480100 (VCV001480100.9), dbSNP rs2137465225, ClinGen allele CA387760506.

ClinVar aggregate classification (germline): Conflicting classifications of pathogenicity. Review status: criteria provided, conflicting classifications (1 of 4 stars). 2 submissions from 2 submitters: Uncertain significance (1); Likely benign (1). Last evaluated 2025-05-12.

Conditions:
Hereditary breast ovarian cancer syndrome. Also called: Hereditary breast and ovarian cancer; BRCA1- and BRCA2-Associated Hereditary Breast and Ovarian Cancer; Hereditary breast and ovarian cancer syndrome; Hereditary breast and ovarian cancer syndrome (HBOC); Breast and ovarian cancer; Hereditary breast and/or ovarian cancer syndrome. Identifiers: Orphanet 145, MedGen C0677776, MeSH D061325, MONDO:0003582. Disease mechanism: loss of function.
Hereditary cancer-predisposing syndrome. Also called: Tumor predisposition; Hereditary Cancer Syndrome; Hereditary neoplastic syndrome; Neoplastic Syndromes, Hereditary. Identifiers: Orphanet 140162, MedGen C0027672, MeSH D009386, MONDO:0015356.

Submissions (2):

Labcorp Genetics (formerly Invitae), Labcorp
Classification: Uncertain significance for Hereditary breast ovarian cancer syndrome. Last evaluated: 2025-05-12. Review status: criteria provided, single submitter. Criteria: Invitae Variant Classification Sherloc (09022015). Collection method: clinical testing. Allele origin: germline.
Comment: This sequence change replaces aspartic acid, which is acidic and polar, with glutamic acid, which is acidic and polar, at codon 281 of the BRCA2 protein (p.Asp281Glu). This variant is not present in population databases (gnomAD no frequency). This variant has not been reported in the literature in individuals affected with BRCA2-related conditions. ClinVar contains an entry for this variant (Variation ID: 1480100). Invitae Evidence Modeling of protein sequence and biophysical properties (such as structural, functional, and spatial information, amino acid conservation, physicochemical variation, residue mobility, and thermodynamic stability) indicates that this missense variant is not expected to disrupt BRCA2 protein function with a negative predictive value of 95%. In summary, the available evidence is currently insufficient to determine the role of this variant in disease. Therefore, it has been classified as a Variant of Uncertain Significance.

University of Washington Department of Laboratory Medicine, University of Washington
Classification: Likely benign for Hereditary cancer-predisposing syndrome. Last evaluated: 2023-03-23. Review status: criteria provided, single submitter. Criteria: Dines et al. (Genet Med. 2020). Collection method: curation. Allele origin: germline.
Comment: Missense variant in a coldspot region where missense variants are very unlikely to be pathogenic (PMID:31911673).

BRCA2 exon 10 coldspot. Reclassification based on statistical prior probability.